The following is an entry in ClinVar:

NM_000535.7(PMS2):c.1646T>C (p.Val549Ala)

Gene: PMS2 (PMS1 homolog 2, mismatch repair system component; minus strand). Cytogenetic location: 7p22.1.
Variant type: single nucleotide variant.
Coding change: c.1646T>C on transcript NM_000535.7 (MANE Select); coding-DNA position 1646, T replaced by C.
Protein change: p.Val549Ala; replaces valine 549 with alanine.
Molecular consequence: missense variant. On other transcripts: non-coding transcript variant (1).
Genome position (GRCh38, 1-based): chr7:5,987,119, A>G on the plus strand (T>C on the coding strand, the complement: PMS2 is on the minus strand). VCF-style: chr7-5987119-A-G. GRCh37 (hg19) VCF-style: chr7-6026750-A-G.
Other names: c.1241T>C, p.Val414Ala (NM_001322003.2, NM_001322004.2, NM_001322005.2 and 1 more transcripts); c.1490T>C, p.Val497Ala (NM_001322006.2); c.1328T>C, p.Val443Ala (NM_001322007.2, NM_001322008.2); c.1085T>C, p.Val362Ala (NM_001322010.2); c.713T>C, p.Val238Ala (NM_001322011.2, NM_001322012.2); c.1073T>C, p.Val358Ala (NM_001322013.2); c.1646T>C, p.Val549Ala (NM_001322014.2); c.1337T>C, p.Val446Ala (NM_001322015.2); short protein forms V549A, V446A, V497A, V358A, V238A, V362A, V414A, V443A.
Identifiers: ClinVar variation 230279 (VCV000230279.20), dbSNP rs779150753, ClinGen allele CA10578670.

ClinVar aggregate classification (germline): Uncertain significance. Review status: criteria provided, multiple submitters, no conflicts (2 of 4 stars). 4 submissions from 4 submitters: Uncertain significance (4). Last evaluated 2025-01-28.

Conditions:
Hereditary nonpolyposis colorectal neoplasms. Identifiers: MedGen C0009405, MeSH D003123.
Hereditary cancer-predisposing syndrome. Also called: Hereditary neoplastic syndrome; Hereditary Cancer Syndrome; Neoplastic Syndromes, Hereditary; Tumor predisposition. Identifiers: Orphanet 140162, MedGen C0027672, MeSH D009386, MONDO:0015356.

Submissions (4):

Labcorp Genetics (formerly Invitae), Labcorp
Classification: Uncertain significance for Hereditary nonpolyposis colorectal neoplasms. Last evaluated: 2025-01-28. Review status: criteria provided, single submitter. Criteria: Invitae Variant Classification Sherloc (09022015). Collection method: clinical testing. Allele origin: germline.
Comment: This sequence change replaces valine, which is neutral and non-polar, with alanine, which is neutral and non-polar, at codon 549 of the PMS2 protein (p.Val549Ala). This variant is not present in population databases (gnomAD no frequency). This variant has not been reported in the literature in individuals affected with PMS2-related conditions. ClinVar contains an entry for this variant (Variation ID: 230279). Invitae Evidence Modeling incorporating data from in vitro experimental studies (internal data) indicates that this missense variant is not expected to disrupt PMS2 function with a negative predictive value of 95%. In summary, the available evidence is currently insufficient to determine the role of this variant in disease. Therefore, it has been classified as a Variant of Uncertain Significance.

Ambry Genetics
Classification: Uncertain significance for Hereditary cancer-predisposing syndrome. Last evaluated: 2024-03-15. Review status: criteria provided, single submitter. Criteria: Ambry Variant Classification Scheme 2023. Collection method: clinical testing. Allele origin: germline.
Comment: The p.V549A variant (also known as c.1646T>C), located in coding exon 11 of the PMS2 gene, results from a T to C substitution at nucleotide position 1646. The valine at codon 549 is replaced by alanine, an amino acid with similar properties. This amino acid position is poorly conserved in available vertebrate species. In addition, this alteration is predicted to be tolerated by in silico analysis. Based on the available evidence, the clinical significance of this alteration remains unclear.

Color Diagnostics, LLC DBA Color Health
Classification: Uncertain significance for Hereditary cancer-predisposing syndrome. Last evaluated: 2019-11-20. Review status: criteria provided, single submitter. Criteria: ACMG Guidelines, 2015. Collection method: clinical testing. Allele origin: germline.
Comment: This missense variant replaces valine with alanine at codon 549 of the PMS2 protein. Computational prediction tool suggests that this variant may not impact protein structure and function (internally defined REVEL score threshold ≤0.5, PMID: 27666373). Splice site prediction tools suggest that this variant may not impact RNA splicing. To our knowledge, functional studies have not been performed for this variant. This variant has not been reported in individuals affected with hereditary cancer in the literature. This variant has not been identified in the general population by the Genome Aggregation Database (gnomAD). The available evidence is insufficient to determine the role of this variant in disease conclusively. Therefore, this variant is classified as a Variant of Uncertain Significance.

GeneDx
Classification: Uncertain significance. Last evaluated: 2015-07-14. Review status: criteria provided, single submitter. Criteria: GeneDx Variant Classification (06012015). Collection method: clinical testing. Allele origin: germline. Affected: yes.
Comment: This variant is denoted PMS2 c.1646T>C at the cDNA level, p.Val549Ala (V549A) at the protein level, and results in the change of a Valine to an Alanine (GTG>GCG). This variant has not, to our knowledge, been published in the literature as pathogenic or benign. PMS2 Val549Ala was not observed in approximately 6,500 individuals of European and African American ancestry in the NHLBI Exome Sequencing Project, indicating it is not a common benign variant in these populations. Since Valine and Alanine share similar properties, this is considered a conservative amino acid substitution. PMS2 Val549Ala occurs at a position that is not conserved and is not located in a known functional domain (Fukui 2011 and Guarne 2001). In silico analyses predict that this variant is unlikely to alter protein structure or function. Based on currently available information, it is unclear whether PMS2 Val549Ala is pathogenic or benign. We consider it to be a variant of uncertain significance.